The following is an entry in ClinVar:

NM_022095.4(ZNF335):c.3820-7_3820-6del

Gene: ZNF335 (zinc finger protein 335; minus strand). Cytogenetic location: 20q13.12.
Variant type: Deletion.
Coding change: c.3820-7_3820-6del on transcript NM_022095.4 (MANE Select); 7 bases into the intron before coding-DNA position 3820 through 6 bases into the intron before coding-DNA position 3820, 2 bases deleted (CC; older notation c.3820-7_3820-6delCC).
Molecular consequence: intron variant.
Genome position (GRCh38, 1-based): chr20:45,949,257-45,949,258, GG deleted on the plus strand (CC on the coding strand, the reverse complement: ZNF335 is on the minus strand); deleting any 2 consecutive bases within chr20:45,949,257-45,949,260 gives the same sequence; the c. name uses the placement nearest the transcript's 3' end. VCF-style (leftmost placement, unchanged base first): chr20-45949256-AGG-A. GRCh37 (hg19) VCF-style: chr20-44577895-AGG-A.
Other names: c.3820-7_3820-6delCC (NM_022095.3).
Identifiers: ClinVar variation 437354 (VCV000437354.24), dbSNP rs150750750, ClinGen allele CA9884816.

ClinVar aggregate classification (germline): Benign/Likely benign. Review status: criteria provided, multiple submitters, no conflicts (2 of 4 stars). 4 submissions from 4 submitters: Benign (2); Likely benign (2). Last evaluated 2026-02-01.

Conditions:
Microcephalic primordial dwarfism due to ZNF335 deficiency. Also called: Primary autosomal recessive microcephaly 10. Identifiers: Orphanet 329228, MedGen C3554499, MONDO:0014043, OMIM 615095.

Submissions (4):

CeGaT Center for Human Genetics Tuebingen
Classification: Likely benign. Last evaluated: 2026-02-01. Review status: criteria provided, single submitter. Criteria: CeGaT Center For Human Genetics Tuebingen Variant Classification Criteria Version 2. Collection method: clinical testing. Allele origin: germline. Affected: yes. Observed: 2 variant alleles.
Comment: ZNF335: BS1

Labcorp Genetics (formerly Invitae), Labcorp
Classification: Benign. Last evaluated: 2026-01-27. Review status: criteria provided, single submitter. Criteria: Invitae Variant Classification Sherloc (09022015). Collection method: clinical testing. Allele origin: germline.

Genome-Nilou Lab
Classification: Benign for Microcephalic primordial dwarfism due to ZNF335 deficiency. Last evaluated: 2021-12-05. Review status: criteria provided, single submitter. Criteria: ACMG Guidelines, 2015. Collection method: clinical testing. Allele origin: germline. Affected: no.

Genetic Services Laboratory, University of Chicago
Classification: Likely benign. Last evaluated: 2015-09-23. Review status: criteria provided, single submitter. Criteria: ACMG Guidelines, 2015. Collection method: clinical testing. Allele origin: germline. Affected: no.